The following is an entry in ClinVar:

ClinVar aggregate classification (germline): Uncertain significance (1 of 4 stars; one submission).

Conditions:
Hereditary cancer-predisposing syndrome. Also called: Tumor predisposition; Hereditary neoplastic syndrome; Neoplastic Syndromes, Hereditary; Hereditary Cancer Syndrome. Identifiers: Orphanet 140162, MedGen C0027672, MeSH D009386, MONDO:0015356.

Submission:

Ambry Genetics
Classification: Uncertain significance for Hereditary cancer-predisposing syndrome. Last evaluated: 2025-05-15. Review status: criteria provided, single submitter. Criteria: Ambry Variant Classification Scheme 2023. Collection method: clinical testing. Allele origin: germline.
Comment: The p.V106E variant (also known as c.317T>A), located in coding exon 3 of the FH gene, results from a T to A substitution at nucleotide position 317. The valine at codon 106 is replaced by glutamic acid, an amino acid with dissimilar properties. This amino acid position is highly conserved in available vertebrate species. In addition, this alteration is predicted to be deleterious by in silico analysis. Based on the available evidence, the clinical significance of this variant remains unclear.

NM_000143.4(FH):c.317T>A (p.Val106Glu)

Gene: FH (fumarate hydratase; minus strand). Cytogenetic location: 1q43.
Variant type: single nucleotide variant.
Coding change: c.317T>A on transcript NM_000143.4 (MANE Select); coding-DNA position 317, T replaced by A.
Protein change: p.Val106Glu; replaces valine 106 with glutamic acid.
Molecular consequence: missense variant.
Genome position (GRCh38, 1-based): chr1:241,513,664, A>T on the plus strand (T>A on the coding strand, the complement: FH is on the minus strand). VCF-style: chr1-241513664-A-T. GRCh37 (hg19) VCF-style: chr1-241676964-A-T.
Other names: short protein forms V106E.
Identifiers: ClinVar variation 4024828 (VCV004024828.1).
Genomic context (GRCh38, chr1:241,513,664, plus strand): 5'-TCATCTGCTGCCTTCATTATTGCATTAGCAATCTTTGGATCAAGACCATAATCCTGGTTT[A>T]CTTCAGCGGCCGCTCGCTTCAAGATGCCAAAAGCTTTAATAACTGGGGTCTAAAATTAAT-3'
Protein context (NP_000134.2, residues 96-116): FGILKRAAAE[Val106Glu]NQDYGLDPKI